The following is an entry in ClinVar:

ClinVar aggregate classification (germline): Uncertain significance (1 of 4 stars; one submission).

Conditions:
Colorectal cancer, hereditary nonpolyposis, type 7. Identifiers: Orphanet 144, MedGen C1858380, MONDO:0013725, OMIM 614385.

Submission:

Labcorp Genetics (formerly Invitae), Labcorp
Classification: Uncertain significance for Colorectal cancer, hereditary nonpolyposis, type 7. Last evaluated: 2025-06-04. Review status: criteria provided, single submitter. Criteria: Invitae Variant Classification Sherloc (09022015). Collection method: clinical testing. Allele origin: germline.
Comment: This sequence change affects a donor splice site in intron 4 of the MLH3 gene. It is expected to disrupt RNA splicing. Variants that disrupt the donor or acceptor splice site typically lead to a loss of protein function (PMID: 16199547), however the current clinical and genetic evidence is not sufficient to establish whether loss-of-function variants in MLH3 cause disease. This variant is not present in population databases (gnomAD no frequency). This variant has not been reported in the literature in individuals affected with MLH3-related conditions. Algorithms developed to predict the effect of sequence changes on RNA splicing suggest that this variant may disrupt the consensus splice site. In summary, the available evidence is currently insufficient to determine the role of this variant in disease. Therefore, it has been classified as a Variant of Uncertain Significance.

Literature cited by the submitters: PubMed 16199547.

NM_001040108.2(MLH3):c.3465+1G>A

Gene: MLH3 (mutL homolog 3; minus strand). Cytogenetic location: 14q24.3.
Variant type: single nucleotide variant.
Coding change: c.3465+1G>A on transcript NM_001040108.2 (MANE Select); the canonical splice donor site of the intron after coding-DNA position 3465, G replaced by A.
Molecular consequence: splice donor variant.
Genome position (GRCh38, 1-based): chr14:75,041,614, C>T on the plus strand (G>A on the coding strand, the complement: MLH3 is on the minus strand). VCF-style: chr14-75041614-C-T. GRCh37 (hg19) VCF-style: chr14-75508317-C-T.
Other names: c.3465+1G>A (NM_014381.3).
Identifiers: ClinVar variation 4776636 (VCV004776636.1).